The following is an entry in ClinVar:

ClinVar aggregate classification (germline): Pathogenic (1 of 4 stars; one submission).

Conditions:
Hereditary cancer-predisposing syndrome. Also called: Hereditary neoplastic syndrome; Neoplastic Syndromes, Hereditary; Tumor predisposition; Hereditary Cancer Syndrome. Identifiers: Orphanet 140162, MedGen C0027672, MeSH D009386, MONDO:0015356.

Submission:

Ambry Genetics
Classification: Pathogenic for Hereditary cancer-predisposing syndrome. Last evaluated: 2024-11-15. Review status: criteria provided, single submitter. Criteria: Ambry Variant Classification Scheme 2023. Collection method: clinical testing. Allele origin: germline.
Comment: The p.Y2129* pathogenic mutation (also known as c.6387C>A), located in coding exon 43 of the ATM gene, results from a C to A substitution at nucleotide position 6387. This changes the amino acid from a tyrosine to a stop codon within coding exon 43. This variant is considered to be rare based on population cohorts in the Genome Aggregation Database (gnomAD). This alteration is expected to result in loss of function by premature protein truncation or nonsense-mediated mRNA decay. As such, this alteration is interpreted as a disease-causing mutation.

NM_000051.4(ATM):c.6387C>A (p.Tyr2129Ter)

Genes: ATM (ATM serine/threonine kinase; plus strand), C11orf65 (chromosome 11 open reading frame 65; minus strand). Cytogenetic location: 11q22.3.
Variant type: single nucleotide variant.
Coding change: c.6387C>A on transcript NM_000051.4 (MANE Select); coding-DNA position 6387, C replaced by A.
Protein change: p.Tyr2129Ter; replaces tyrosine 2129 with a stop codon.
Molecular consequence: nonsense. On other transcripts: intron variant (2).
Genome position (GRCh38, 1-based): chr11:108,319,993, C>A. VCF-style: chr11-108319993-C-A. GRCh37 (hg19) VCF-style: chr11-108190720-C-A.
Other names: c.6387C>A, p.Tyr2129Ter (NM_001351834.2); c.641-10922G>T (NM_001330368.2); c.*39-10922G>T (NM_001351110.2); short protein forms Y2129*.
Identifiers: ClinVar variation 1753199 (VCV001753199.3), dbSNP rs2085081161, ClinGen allele CA382553317.